The following is an entry in ClinVar:

ClinVar aggregate classification (germline): Uncertain significance (1 of 4 stars; one submission).

Conditions:
Chédiak-Higashi syndrome (CHS). Also called: Chediak-Higashi Syndrome. Identifiers: Orphanet 167, MedGen C0007965, MONDO:0008963, OMIM 214500.

Allele frequency attached by ClinVar (database versions not stated): gnomAD 0.00001; gnomAD exomes 0.00001; TOPMed 0.00001; ExAC 0.00003.
gnomAD v4.1: 14 of 1,613,798 alleles (0.00087%); highest among the groups gnomAD compares: East Asian, 0.031%; no homozygotes.

Submission:

Labcorp Genetics (formerly Invitae), Labcorp
Classification: Uncertain significance for Chédiak-Higashi syndrome. Last evaluated: 2021-08-14. Review status: criteria provided, single submitter. Criteria: Invitae Variant Classification Sherloc (09022015). Collection method: clinical testing. Allele origin: germline.
Comment: This sequence change replaces glutamine with arginine at codon 1772 of the LYST protein (p.Gln1772Arg). The glutamine residue is moderately conserved and there is a small physicochemical difference between glutamine and arginine. This variant is present in population databases (rs754761237, ExAC 0.05%). This variant has not been reported in the literature in individuals affected with LYST-related conditions. Algorithms developed to predict the effect of missense changes on protein structure and function (SIFT, PolyPhen-2, Align-GVGD) all suggest that this variant is likely to be tolerated. In summary, the available evidence is currently insufficient to determine the role of this variant in disease. Therefore, it has been classified as a Variant of Uncertain Significance.

NM_000081.4(LYST):c.5315A>G (p.Gln1772Arg)

Gene: LYST (lysosomal trafficking regulator; minus strand). Cytogenetic location: 1q42.3.
Variant type: single nucleotide variant.
Coding change: c.5315A>G on transcript NM_000081.4 (MANE Select); coding-DNA position 5315, A replaced by G.
Protein change: p.Gln1772Arg; replaces glutamine 1772 with arginine.
Molecular consequence: missense variant.
Genome position (GRCh38, 1-based): chr1:235,777,208, T>C on the plus strand (A>G on the coding strand, the complement: LYST is on the minus strand). VCF-style: chr1-235777208-T-C. GRCh37 (hg19) VCF-style: chr1-235940508-T-C.
Other names: c.5315A>G, p.Gln1772Arg (NM_001301365.1); short protein forms Q1772R.
Identifiers: ClinVar variation 1503429 (VCV001503429.5), dbSNP rs754761237, ClinGen allele CA1466651.
Genomic context (GRCh38, chr1:235,777,208, plus strand): 5'-TTCTTTAGATGATGAGGTTCTAATAAGATGCTCTGAACTTCTTTTGAGCTGAAGGGTCTT[T>C]GAGAGAGTTGGGTTTTCATTTGACCTTTAAGTCTAATCACTGGTTCATAGATGGTATACT-3'
Protein context (NP_000072.2, residues 1762-1782): LKGQMKTQLS[Gln1772Arg]RPFSSKEVQS